The following is an entry in ClinVar:

NM_000388.4(CASR):c.528C>A (p.Asn176Lys)

Gene: CASR (calcium sensing receptor; plus strand). Cytogenetic location: 3q21.1.
Variant type: single nucleotide variant.
Coding change: c.528C>A on transcript NM_000388.4 (MANE Select); coding-DNA position 528, C replaced by A.
Protein change: p.Asn176Lys; replaces asparagine 176 with lysine.
Molecular consequence: missense variant.
Genome position (GRCh38, 1-based): chr3:122,261,563, C>A. VCF-style: chr3-122261563-C-A. GRCh37 (hg19) VCF-style: chr3-121980410-C-A.
Other names: c.528C>A, p.Asn176Lys (NM_001178065.2); short protein forms N176K.
Identifiers: ClinVar variation 1373946 (VCV001373946.8), dbSNP rs762352492, ClinGen allele CA354150779.

ClinVar aggregate classification (germline): Uncertain significance (1 of 4 stars; one submission).

Conditions:
Familial hypocalciuric hypercalcemia (FHH). Also called: Familial benign hypercalcemia. Identifiers: Orphanet 405, MedGen C1809471, MONDO:0018458.
Autosomal dominant hypocalcemia 1 (HYPOC1). Also called: HYPOCALCEMIA, FAMILIAL. Identifiers: MedGen C3715128, MONDO:0011013, OMIM 601198.

gnomAD v4.1: 1 of 1,614,224 alleles (0.000062%); highest among the groups gnomAD compares: Non-Finnish European, 0.000085%; no homozygotes.

Submission:

Labcorp Genetics (formerly Invitae), Labcorp
Classification: Uncertain significance for Familial hypocalciuric hypercalcemia; Autosomal dominant hypocalcemia 1. Last evaluated: 2022-11-18. Review status: criteria provided, single submitter. Criteria: Invitae Variant Classification Sherloc (09022015). Collection method: clinical testing. Allele origin: germline.
Comment: This sequence change replaces asparagine, which is neutral and polar, with lysine, which is basic and polar, at codon 176 of the CASR protein (p.Asn176Lys). This variant is not present in population databases (gnomAD no frequency). This variant has not been reported in the literature in individuals affected with CASR-related conditions. ClinVar contains an entry for this variant (Variation ID: 1373946). Algorithms developed to predict the effect of missense changes on protein structure and function (SIFT, PolyPhen-2, Align-GVGD) all suggest that this variant is likely to be disruptive. In summary, the available evidence is currently insufficient to determine the role of this variant in disease. Therefore, it has been classified as a Variant of Uncertain Significance.